The following is an entry in ClinVar:

NM_000038.6(APC):c.1102G>A (p.Val368Ile)

Gene: APC (APC regulator of Wnt signaling pathway; plus strand). Cytogenetic location: 5q22.2.
Variant type: single nucleotide variant.
Coding change: c.1102G>A on transcript NM_000038.6 (MANE Select); coding-DNA position 1102, G replaced by A.
Protein change: p.Val368Ile; replaces valine 368 with isoleucine.
Molecular consequence: missense variant. On other transcripts: intron variant (4).
Genome position (GRCh38, 1-based): chr5:112,819,134, G>A. VCF-style: chr5-112819134-G-A. GRCh37 (hg19) VCF-style: chr5-112154831-G-A.
Other names: c.925G>A, p.Val309Ile (NM_001354900.2, NM_001354901.2); c.964-135G>A (NM_001354902.2); c.859-135G>A (NM_001354904.2); c.934-135G>A (NM_001354903.2); c.757-135G>A (NM_001354905.2); c.253G>A, p.Val85Ile (NM_001354906.2); c.1102G>A, p.Val368Ile (NM_001127510.3, NM_001354895.2, NM_001354896.2); c.1048G>A, p.Val350Ile (NM_001127511.3); and 3 more; short protein forms V378I, V309I, V368I, V343I, V350I, V340I, V85I.
Identifiers: ClinVar variation 864769 (VCV000864769.12), dbSNP rs914534364, ClinGen allele CA16023726.

ClinVar aggregate classification (germline): Uncertain significance. Review status: criteria provided, multiple submitters, no conflicts (2 of 4 stars). 2 submissions from 2 submitters: Uncertain significance (2). Last evaluated 2025-01-21.

Conditions:
Hereditary cancer-predisposing syndrome. Also called: Hereditary Cancer Syndrome; Tumor predisposition; Neoplastic Syndromes, Hereditary; Hereditary neoplastic syndrome. Identifiers: Orphanet 140162, MedGen C0027672, MeSH D009386, MONDO:0015356.
Familial adenomatous polyposis 1 (FAP1). Also called: POLYPOSIS, ADENOMATOUS INTESTINAL; FAMILIAL ADENOMATOUS POLYPOSIS 1, ATTENUATED. Identifiers: MedGen C2713442, MONDO:0021056, OMIM 175100. Disease mechanism: loss of function.

Submissions (2):

Labcorp Genetics (formerly Invitae), Labcorp
Classification: Uncertain significance for Familial adenomatous polyposis 1. Last evaluated: 2025-01-21. Review status: criteria provided, single submitter. Criteria: Invitae Variant Classification Sherloc (09022015). Collection method: clinical testing. Allele origin: germline.
Comment: This sequence change replaces valine, which is neutral and non-polar, with isoleucine, which is neutral and non-polar, at codon 368 of the APC protein (p.Val368Ile). This variant is not present in population databases (gnomAD no frequency). This variant has not been reported in the literature in individuals affected with APC-related conditions. ClinVar contains an entry for this variant (Variation ID: 864769). Invitae Evidence Modeling of protein sequence and biophysical properties (such as structural, functional, and spatial information, amino acid conservation, physicochemical variation, residue mobility, and thermodynamic stability) indicates that this missense variant is not expected to disrupt APC protein function with a negative predictive value of 95%. In summary, the available evidence is currently insufficient to determine the role of this variant in disease. Therefore, it has been classified as a Variant of Uncertain Significance.

Ambry Genetics
Classification: Uncertain significance for Hereditary cancer-predisposing syndrome. Last evaluated: 2024-12-02. Review status: criteria provided, single submitter. Criteria: Ambry Variant Classification Scheme 2023. Collection method: clinical testing. Allele origin: germline.
Comment: The p.V368I variant (also known as c.1102G>A), located in coding exon 9 of the APC gene, results from a G to A substitution at nucleotide position 1102. The valine at codon 368 is replaced by isoleucine, an amino acid with highly similar properties. This amino acid position is well conserved in available vertebrate species. In addition, in silico predictors for this gene do not accurately predict pathogenicity. Missense alterations in APC are not a common cause of disease (Spier I et al. Genet Med. 2024 Feb;26(2):100992). Based on the available evidence, the clinical significance of this variant remains unclear.